The following is an entry in ClinVar:

NM_000059.4(BRCA2):c.2188A>T (p.Lys730Ter)

Gene: BRCA2 (BRCA2 DNA repair associated; plus strand). Cytogenetic location: 13q13.1.
Variant type: single nucleotide variant.
Coding change: c.2188A>T on transcript NM_000059.4 (MANE Select); coding-DNA position 2188, A replaced by T.
Protein change: p.Lys730Ter; replaces lysine 730 with a stop codon.
Molecular consequence: nonsense. On other transcripts: non-coding transcript variant (1), intron variant (2).
Genome position (GRCh38, 1-based): chr13:32,336,543, A>T. VCF-style: chr13-32336543-A-T. GRCh37 (hg19) VCF-style: chr13-32910680-A-T.
Other names: c.2188A>T, p.Lys730Ter (NM_001406719.1, NM_001406720.1, NM_001432077.1); c.1909+3156A>T (NM_001406721.1); c.424+5513A>T (NM_001406722.1); short protein forms K730*.
Identifiers: ClinVar variation 4531275 (VCV004531275.2).
Genomic context (GRCh38, chr13:32,336,543, plus strand): 5'-TCATGCCTGCAGGAAGGACAGTGTGAAAATGATCCAAAAAGCAAAAAAGTTTCAGATATA[A>T]AAGAAGAGGTCTTGGCTGCAGCATGTCACCCAGTACAACATTCAAAAGTGGAATACAGTG-3'

ClinVar aggregate classification (germline): Pathogenic (1 of 4 stars; one submission).

Conditions:
Breast-ovarian cancer, familial, susceptibility to, 2 (BROVCA2). Also called: BRCA2 Hereditary Breast and Ovarian Cancer. Identifiers: Orphanet 145, MedGen C2675520, MONDO:0012933, OMIM 612555. Disease mechanism: loss of function.

Submission:

Juno Genomics, Hangzhou Juno Genomics, Inc
Classification: Pathogenic for Breast-ovarian cancer, familial, susceptibility to, 2. Review status: criteria provided, single submitter. Criteria: ACMG Guidelines, 2015. Collection method: clinical testing. Allele origin: germline.
Comment: Absent from controls (or at extremely low frequency if recessive) in Genome Aggregation Database.;Null variant in a gene where loss of function (LOF) is a known mechanism of disease.;Novel missense change at an amino acid residue where a different missense change determined to be pathogenic has been seen before.